The following is an entry in ClinVar:

ClinVar aggregate classification (germline): Pathogenic (1 of 4 stars; one submission).

Submission:

Labcorp Genetics (formerly Invitae), Labcorp
Classification: Pathogenic. Last evaluated: 2023-05-01. Review status: criteria provided, single submitter. Criteria: Invitae Variant Classification Sherloc (09022015). Collection method: clinical testing. Allele origin: germline.
Comment: This sequence change creates a premature translational stop signal (p.Gly125Argfs*12) in the ITGA6 gene. It is expected to result in an absent or disrupted protein product. Loss-of-function variants in ITGA6 are known to be pathogenic (PMID: 9158140, 9185503, 9804362, 27607025). This variant is not present in population databases (gnomAD no frequency). This variant has not been reported in the literature in individuals affected with ITGA6-related conditions. For these reasons, this variant has been classified as Pathogenic.

Literature cited by the submitters: PubMed 9158140; PubMed 9185503; PubMed 9804362; PubMed 27607025.

NM_000210.4(ITGA6):c.372dup (p.Gly125fs)

Genes: ITGA6 (integrin subunit alpha 6; plus strand), PDK1-AS1 (PDK1 and ITGA6 antisense RNA 1; minus strand). Cytogenetic location: 2q31.1.
Variant type: Duplication.
Coding change: c.372dup on transcript NM_000210.4 (MANE Select); coding-DNA position 372, one base duplicated (A; older notation c.372dupA).
Protein change: p.Gly125fs; shifts the reading frame from glycine 125.
Molecular consequence: frameshift variant.
Genome position (GRCh38, 1-based): chr2:172,467,545, A duplicated. VCF-style (leftmost placement, unchanged base first): chr2-172467544-C-CA. GRCh37 (hg19) VCF-style: chr2-173332272-C-CA.
Other names: c.372dup, p.Gly125fs (NM_001365530.2, NM_001394928.1, NM_001079818.3 and 1 more transcripts); c.30dup, p.Gly11fs (NM_001316306.2); short protein forms G11fs, G125fs.
Identifiers: ClinVar variation 2861210 (VCV002861210.3), dbSNP rs2468291215, ClinGen allele CA2739271643.